The following is an entry in ClinVar:

NM_138426.4(GLCCI1):c.1382G>C (p.Cys461Ser)

Gene: GLCCI1 (glucocorticoid induced 1; plus strand). Cytogenetic location: 7p21.3.
Variant type: single nucleotide variant.
Coding change: c.1382G>C on transcript NM_138426.4 (MANE Select); coding-DNA position 1382, G replaced by C.
Protein change: p.Cys461Ser; replaces cysteine 461 with serine.
Molecular consequence: missense variant.
Genome position (GRCh38, 1-based): chr7:8,086,276, G>C. VCF-style: chr7-8086276-G-C. GRCh37 (hg19) VCF-style: chr7-8125906-G-C.
Other names: short protein forms C461S.
Identifiers: ClinVar variation 1049733 (VCV001049733.1), dbSNP rs201269303, ClinGen allele CA4161606.

ClinVar aggregate classification (germline): Uncertain significance (0 of 4 stars; one submission).

Allele frequency attached by ClinVar (database versions not stated): gnomAD 0.00005 and 0.00006; ExAC 0.00007; TOPMed 0.00007; gnomAD exomes 0.00011; ESP Exome Variant Server 0.00015.
gnomAD v4.1: 74 of 1,613,952 alleles (0.0046%); highest among the groups gnomAD compares: Admixed American, 0.0067%; no homozygotes.

Submission:

Department of Pathology and Laboratory Medicine, Sinai Health System
Classification: Uncertain significance. Review status: no assertion criteria provided. Collection method: clinical testing. Allele origin: unknown. Affected: yes. Study: The Canadian Open Genetics Repository (COGR).
Comment: The GLCCI1 p.Cys461Ser variant was not identified in the literature nor was it identified in ClinVar, Cosmic or LOVD 3.0. The variant was identified in dbSNP (ID: rs201269303) and in control databases in 28 of 282568 chromosomes at a frequency of 0.000099 (Genome Aggregation Database Feb 27, 2017). The variant was observed in the following populations: Ashkenazi Jewish in 22 of 10358 chromosomes (freq: 0.002124), Latino in 4 of 35436 chromosomes (freq: 0.000113) and European (non-Finnish) in 2 of 128910 chromosomes (freq: 0.000016), but was not observed in the African, East Asian, European (Finnish), Other or South Asian populations. The p.Cys461 residue is conserved across mammals and other organisms, and computational analyses (PolyPhen-2, SIFT, AlignGVGD, BLOSUM, MutationTaster) suggest that the variant may impact the protein; however, this information is not predictive enough to assume pathogenicity. The variant occurs outside of the splicing consensus sequence and in silico or computational prediction software programs (SpliceSiteFinder, MaxEntScan, NNSPLICE, GeneSplicer) do not predict a difference in splicing. In summary, based on the above information the clinical significance of this variant cannot be determined with certainty at this time. This variant is classified as a variant of uncertain significance.